The following is an entry in ClinVar:

NM_000719.7(CACNA1C):c.521C>T (p.Ala174Val)

Gene: CACNA1C (calcium voltage-gated channel subunit alpha1 C; plus strand). Cytogenetic location: 12p13.33.
Variant type: single nucleotide variant.
Coding change: c.521C>T on transcript NM_000719.7 (MANE Select); coding-DNA position 521, C replaced by T.
Protein change: p.Ala174Val; replaces alanine 174 with valine.
Molecular consequence: missense variant.
Genome position (GRCh38, 1-based): chr12:2,449,019, C>T. VCF-style: chr12-2449019-C-T. GRCh37 (hg19) VCF-style: chr12-2558185-C-T.
Other names: c.521C>T, p.Ala174Val (NM_001129827.2, NM_001129829.2, NM_001129830.3 and 19 more transcripts); short protein forms A174V.
Identifiers: ClinVar variation 2786524 (VCV002786524.3), dbSNP rs2099328128, ClinGen allele CA383367364.
Genomic context (GRCh38, chr12:2,449,019, plus strand): 5'-CTATTTCTGTTTCCTAGGAACGAGTGGAATATCTCTTTCTCATAATTTTTACGGTGGAAG[C>T]GTTTTTAAAAGTAATCGCCTATGGACTCCTCTTTCACCCCAATGCCTACCTCCGCAACGG-3'
Protein context (NP_000710.5, residues 164-184): YLFLIIFTVE[Ala174Val]FLKVIAYGLL

ClinVar aggregate classification (germline): Uncertain significance (1 of 4 stars; one submission).

Conditions:
Long QT syndrome (LQTS). Identifiers: MedGen C0023976, MeSH D008133, MONDO:0002442. Disease mechanism: loss of function. Inheritance: Various modes of inheritance.

Allele frequency attached by ClinVar (database versions not stated): gnomAD 0.00001; gnomAD exomes below 0.00001; TOPMed below 0.00001.
gnomAD v4.1: 4 of 1,607,446 alleles (0.00025%); highest among the groups gnomAD compares: Non-Finnish European, 0.00034%; no homozygotes.

Submission:

Labcorp Genetics (formerly Invitae), Labcorp
Classification: Uncertain significance for Long QT syndrome. Last evaluated: 2025-04-29. Review status: criteria provided, single submitter. Criteria: Invitae Variant Classification Sherloc (09022015). Collection method: clinical testing. Allele origin: germline.
Comment: This sequence change replaces alanine, which is neutral and non-polar, with valine, which is neutral and non-polar, at codon 174 of the CACNA1C protein (p.Ala174Val). This variant is not present in population databases (gnomAD no frequency). This variant has not been reported in the literature in individuals affected with CACNA1C-related conditions. ClinVar contains an entry for this variant (Variation ID: 2786524). Invitae Evidence Modeling of protein sequence and biophysical properties (such as structural, functional, and spatial information, amino acid conservation, physicochemical variation, residue mobility, and thermodynamic stability) indicates that this missense variant is expected to disrupt CACNA1C protein function with a positive predictive value of 80%. In summary, the available evidence is currently insufficient to determine the role of this variant in disease. Therefore, it has been classified as a Variant of Uncertain Significance.